The following is an entry in ClinVar:

ClinVar aggregate classification (germline): Uncertain significance (1 of 4 stars; one submission).

Conditions:
ABCA4-related disorder. Also called: ABCA4-related condition; ABCA4-related disorders. Identifiers: MedGen CN239167.

Allele frequency attached by ClinVar (database versions not stated): gnomAD exomes below 0.00001; ExAC 0.00001.
gnomAD v4.1: 1 of 1,614,002 alleles (0.000062%); highest among the groups gnomAD compares: Non-Finnish European, 0.000085%; no homozygotes.

Submission:

PreventionGenetics, part of Exact Sciences
Classification: Uncertain significance for ABCA4-related condition. Last evaluated: 2023-07-03. Review status: criteria provided, single submitter. Criteria: ACMG Guidelines, 2015. Collection method: clinical testing. Allele origin: germline.
Comment: The ABCA4 c.4231G>T variant is predicted to result in the amino acid substitution p.Gly1411Trp. To our knowledge, this variant has not been reported in the literature. This variant is reported in 0.00088% of alleles in individuals of European (Non-Finnish) descent in gnomAD. At this time, the clinical significance of this variant is uncertain due to the absence of conclusive functional and genetic evidence.

NM_000350.3(ABCA4):c.4231G>T (p.Gly1411Trp)

Gene: ABCA4 (ATP binding cassette subfamily A member 4; minus strand). Cytogenetic location: 1p22.1.
Variant type: single nucleotide variant.
Coding change: c.4231G>T on transcript NM_000350.3 (MANE Select); coding-DNA position 4231, G replaced by T.
Protein change: p.Gly1411Trp; replaces glycine 1411 with tryptophan.
Molecular consequence: missense variant.
Genome position (GRCh38, 1-based): chr1:94,031,018, C>A on the plus strand (G>T on the coding strand, the complement: ABCA4 is on the minus strand). VCF-style: chr1-94031018-C-A. GRCh37 (hg19) VCF-style: chr1-94496574-C-A.
Other names: c.4009G>T, p.Gly1337Trp (NM_001425324.1); short protein forms G1337W, G1411W.
Identifiers: ClinVar variation 2631548 (VCV002631548.1), dbSNP rs779039734, ClinGen allele CA957683.
Genomic context (GRCh38, chr1:94,031,018, plus strand): 5'-AACCCACAGAGGAGAATGGTGACCCCGAGTCCGCGCACCTGAAGAAGGTGTACTGCTGCC[C>A]ATATATCCAGGGGTGAAGGGTCAAAGCGGGGTATTCGCCAAAAGGAGGGATAACAATAGA-3'
Protein context (NP_000341.2, residues 1401-1421): PALTLHPWIY[Gly1411Trp]QQYTFFSMDE